The following is an entry in ClinVar:

NM_002471.4(MYH6):c.2768A>C (p.Glu923Ala)

Gene: MYH6 (myosin heavy chain 6; minus strand). Cytogenetic location: 14q11.2.
Variant type: single nucleotide variant.
Coding change: c.2768A>C on transcript NM_002471.4 (MANE Select); coding-DNA position 2768, A replaced by C.
Protein change: p.Glu923Ala; replaces glutamic acid 923 with alanine.
Molecular consequence: missense variant.
Genome position (GRCh38, 1-based): chr14:23,393,826, T>G on the plus strand (A>C on the coding strand, the complement: MYH6 is on the minus strand). VCF-style: chr14-23393826-T-G. GRCh37 (hg19) VCF-style: chr14-23863035-T-G.
Other names: short protein forms E923A.
Identifiers: ClinVar variation 520328 (VCV000520328.11), dbSNP rs371709369, ClinGen allele CA257787122.

ClinVar aggregate classification (germline): Uncertain significance. Review status: criteria provided, multiple submitters, no conflicts (2 of 4 stars). 4 submissions from 4 submitters: Uncertain significance (2). 2 of the submissions do not count toward it. Last evaluated 2025-11-22.

Conditions:
Cardiovascular phenotype. Identifiers: MedGen CN230736.
Hypertrophic cardiomyopathy 14. Identifiers: MedGen C2750467, MONDO:0013197, OMIM 613251.

Allele frequency attached by ClinVar (database versions not stated): gnomAD 0.00002; gnomAD exomes below 0.00001 and 0.00001; TOPMed 0.00002; ESP Exome Variant Server 0.00008.
gnomAD v4.1: 10 of 1,614,118 alleles (0.00062%); highest among the groups gnomAD compares: African/African-American, 0.004%; no homozygotes.

Submissions (4):

Labcorp Genetics (formerly Invitae), Labcorp
Classification: Uncertain significance for Hypertrophic cardiomyopathy 14. Last evaluated: 2025-11-22. Review status: criteria provided, single submitter. Criteria: Invitae Variant Classification Sherloc (09022015). Collection method: clinical testing. Allele origin: germline.
Comment: This sequence change replaces glutamic acid, which is acidic and polar, with alanine, which is neutral and non-polar, at codon 923 of the MYH6 protein (p.Glu923Ala). This variant is present in population databases (rs371709369, gnomAD 0.004%). This variant has not been reported in the literature in individuals affected with MYH6-related conditions. ClinVar contains an entry for this variant (Variation ID: 520328). Invitae Evidence Modeling of protein sequence and biophysical properties (such as structural, functional, and spatial information, amino acid conservation, physicochemical variation, residue mobility, and thermodynamic stability) indicates that this missense variant is not expected to disrupt MYH6 protein function with a negative predictive value of 80%. In summary, the available evidence is currently insufficient to determine the role of this variant in disease. Therefore, it has been classified as a Variant of Uncertain Significance.

Ambry Genetics
Classification: Uncertain significance for Cardiovascular phenotype. Last evaluated: 2019-12-06. Review status: criteria provided, single submitter. Criteria: Ambry Variant Classification Scheme 2023. Collection method: clinical testing. Allele origin: germline.
Comment: The p.E923A variant (also known as c.2768A>C), located in coding exon 20 of the MYH6 gene, results from an A to C substitution at nucleotide position 2768. The glutamic acid at codon 923 is replaced by alanine, an amino acid with dissimilar properties. This amino acid position is highly conserved in available vertebrate species. In addition, this alteration is predicted to be deleterious by in silico analysis. Since supporting evidence is limited at this time, the clinical significance of this alteration remains unclear.

Clinical Genetics DNA and cytogenetics Diagnostics Lab, Erasmus MC, Erasmus Medical Center
Classification: Uncertain significance. Review status: no assertion criteria provided. Collection method: clinical testing. Allele origin: germline. Affected: yes. Study: VKGL Data-share Consensus. Not counted in ClinVar's aggregate classification.

Diagnostic Laboratory, Department of Genetics, University Medical Center Groningen
Classification: Uncertain significance. Review status: no assertion criteria provided. Collection method: clinical testing. Allele origin: germline. Affected: yes. Study: VKGL Data-share Consensus. Not counted in ClinVar's aggregate classification.